The following is an entry in ClinVar:

NM_024426.6(WT1):c.1012A>C (p.Ser338Arg)

Gene: WT1 (WT1 transcription factor; minus strand). Cytogenetic location: 11p13.
Variant type: single nucleotide variant.
Coding change: c.1012A>C on transcript NM_024426.6 (MANE Select); coding-DNA position 1012, A replaced by C.
Protein change: p.Ser338Arg; replaces serine 338 with arginine.
Molecular consequence: missense variant. On other transcripts: non-coding transcript variant (1), intron variant (2).
Genome position (GRCh38, 1-based): chr11:32,416,494, T>G on the plus strand (A>C on the coding strand, the complement: WT1 is on the minus strand). VCF-style: chr11-32416494-T-G. GRCh37 (hg19) VCF-style: chr11-32438040-T-G.
Other names: c.361A>C, p.Ser121Arg (NM_001198551.2); c.1012A>C, p.Ser338Arg (NM_001407044.1, NM_001407046.1, NM_024424.5); c.889A>C, p.Ser297Arg (NM_001407047.1); c.250A>C, p.Ser84Arg (NM_001407051.1); c.965+1083A>C (NM_000378.6); c.314+1083A>C (NM_001198552.2); short protein forms S121R, S338R, S297R, S333R, S84R.
Identifiers: ClinVar variation 957971 (VCV000957971.11), dbSNP rs1852674776, ClinGen allele CA379961664.

ClinVar aggregate classification (germline): Uncertain significance (1 of 4 stars; one submission).

Conditions:
Wilms tumor 1 (WT1). Also called: Wilms tumor, somatic. Identifiers: Orphanet 654, MedGen CN033288, MONDO:0008679, OMIM 194070.
11p partial monosomy syndrome (WAGR). Also called: WAGR syndrome; WAGR Spectrum Disorder; CHROMOSOME 11p13 DELETION SYNDROME; WAGR Complex. Identifiers: Orphanet 893, MedGen C0206115, MONDO:0008681, OMIM 194072.
Frasier syndrome. Identifiers: Orphanet 347, MedGen C0950122, MeSH D052159, MONDO:0007635, OMIM 136680.
Drash syndrome (DDS). Also called: WILMS TUMOR AND PSEUDO- OR TRUE HERMAPHRODITISM; NEPHROPATHY, WILMS TUMOR, AND GENITAL ANOMALIES. Identifiers: Orphanet 220, MedGen C0950121, MONDO:0008682, OMIM 194080.

Submission:

Labcorp Genetics (formerly Invitae), Labcorp
Classification: Uncertain significance for Wilms tumor 1; Drash syndrome; 11p partial monosomy syndrome; Frasier syndrome. Last evaluated: 2022-07-25. Review status: criteria provided, single submitter. Criteria: Invitae Variant Classification Sherloc (09022015). Collection method: clinical testing. Allele origin: germline.
Comment: This variant is not present in population databases (gnomAD no frequency). In summary, the available evidence is currently insufficient to determine the role of this variant in disease. Therefore, it has been classified as a Variant of Uncertain Significance. Algorithms developed to predict the effect of missense changes on protein structure and function are either unavailable or do not agree on the potential impact of this missense change (SIFT: "Tolerated"; PolyPhen-2: "Possibly Damaging"; Align-GVGD: "Class C0"). ClinVar contains an entry for this variant (Variation ID: 957971). This variant has not been reported in the literature in individuals affected with WT1-related conditions. This sequence change replaces serine, which is neutral and polar, with arginine, which is basic and polar, at codon 333 of the WT1 protein (p.Ser333Arg).